The following is an entry in ClinVar:

NM_006939.4(SOS2):c.2974C>T (p.Leu992Phe)

Gene: SOS2 (SOS Ras/Rho guanine nucleotide exchange factor 2; minus strand). Cytogenetic location: 14q21.3.
Variant type: single nucleotide variant.
Coding change: c.2974C>T on transcript NM_006939.4 (MANE Select); coding-DNA position 2974, C replaced by T.
Protein change: p.Leu992Phe; replaces leucine 992 with phenylalanine.
Molecular consequence: missense variant.
Genome position (GRCh38, 1-based): chr14:50,134,224, G>A on the plus strand (C>T on the coding strand, the complement: SOS2 is on the minus strand). VCF-style: chr14-50134224-G-A. GRCh37 (hg19) VCF-style: chr14-50600942-G-A.
Other names: c.2875C>T, p.Leu959Phe (NM_001411020.1); short protein forms L959F, L992F.
Identifiers: ClinVar variation 2194565 (VCV002194565.4), dbSNP rs986460121, ClinGen allele CA260716332.
Genomic context (GRCh38, chr14:50,134,224, plus strand): 5'-GTGACTTGTTGAACAAATAATCTGTAAACTCTTTTTCAGATGCACTTCCCATGGGGTTAA[G>A]GTTTTCAAAGAATCTCTGGAATTAAACAAATAACACAAGTGCATATATAGTAAGTATATA-3'
Protein context (NP_008870.2, residues 982-1002): EPDMRRFFEN[Leu992Phe]NPMGSASEKE

ClinVar aggregate classification (germline): Uncertain significance (1 of 4 stars; one submission).

Conditions:
Noonan syndrome 9 (NS9). Identifiers: Orphanet 648, MedGen C4225282, MONDO:0014691, OMIM 616559.

Allele frequency attached by ClinVar (database versions not stated): TOPMed below 0.00001.
gnomAD v4.1: 1 of 1,539,796 alleles (0.000065%); highest among the groups gnomAD compares: Non-Finnish European, 0.000089%; no homozygotes.

Submission:

Labcorp Genetics (formerly Invitae), Labcorp
Classification: Uncertain significance for Noonan syndrome 9. Last evaluated: 2024-01-16. Review status: criteria provided, single submitter. Criteria: Invitae Variant Classification Sherloc (09022015). Collection method: clinical testing. Allele origin: germline.
Comment: This sequence change replaces leucine, which is neutral and non-polar, with phenylalanine, which is neutral and non-polar, at codon 992 of the SOS2 protein (p.Leu992Phe). This variant is not present in population databases (gnomAD no frequency). This variant has not been reported in the literature in individuals affected with SOS2-related conditions. ClinVar contains an entry for this variant (Variation ID: 2194565). Advanced modeling of protein sequence and biophysical properties (such as structural, functional, and spatial information, amino acid conservation, physicochemical variation, residue mobility, and thermodynamic stability) performed at Invitae indicates that this missense variant is expected to disrupt SOS2 protein function with a positive predictive value of 80%. In summary, the available evidence is currently insufficient to determine the role of this variant in disease. Therefore, it has been classified as a Variant of Uncertain Significance.